The following is an entry in ClinVar:

NM_000548.5(TSC2):c.1106T>C (p.Leu369Pro)

Gene: TSC2 (TSC complex subunit 2; plus strand). Cytogenetic location: 16p13.3.
Variant type: single nucleotide variant.
Coding change: c.1106T>C on transcript NM_000548.5 (MANE Select); coding-DNA position 1106, T replaced by C.
Protein change: p.Leu369Pro; replaces leucine 369 with proline.
Molecular consequence: missense variant. On other transcripts: 5 prime UTR variant (10), non-coding transcript variant (5).
Genome position (GRCh38, 1-based): chr16:2,060,800, T>C. VCF-style: chr16-2060800-T-C. GRCh37 (hg19) VCF-style: chr16-2110801-T-C.
Other names: c.1094T>C, p.Leu365Pro (NM_001406671.1, NM_001406673.1); c.959T>C, p.Leu320Pro (NM_001406675.1, NM_001406676.1, NM_001406679.1 and 1 more transcripts); c.1049T>C, p.Leu350Pro (NM_001406677.1); c.995T>C, p.Leu332Pro (NM_001406678.1, NM_001318827.2, NM_001406670.1); c.506T>C, p.Leu169Pro (NM_001406680.1, NM_001406682.1, NM_001318831.2 and 6 more transcripts); c.644T>C, p.Leu215Pro (NM_001406681.1); c.1106T>C, p.Leu369Pro (NM_001077183.3, NM_001114382.3, NM_001363528.2 and 6 more transcripts); c.1139T>C, p.Leu380Pro (NM_001318832.2); and 4 more; short protein forms L169P, L215P, L320P, L350P, L399P, L380P, L332P, L365P.
Identifiers: ClinVar variation 4695119 (VCV004695119.1).

ClinVar aggregate classification (germline): Uncertain significance (1 of 4 stars; one submission).

Conditions:
Tuberous sclerosis 2 (TSC2). Identifiers: Orphanet 805, MedGen C1860707, MONDO:0013199, OMIM 613254.

Submission:

Labcorp Genetics (formerly Invitae), Labcorp
Classification: Uncertain significance for Tuberous sclerosis 2. Last evaluated: 2025-09-29. Review status: criteria provided, single submitter. Criteria: Invitae Variant Classification Sherloc (09022015). Collection method: clinical testing. Allele origin: germline.
Comment: This sequence change replaces leucine, which is neutral and non-polar, with proline, which is neutral and non-polar, at codon 369 of the TSC2 protein (p.Leu369Pro). This variant is not present in population databases (gnomAD no frequency). This missense change has been observed in individual(s) with clinical features of tuberous sclerosis complex (PMID: 31799751). Invitae Evidence Modeling of protein sequence and biophysical properties (such as structural, functional, and spatial information, amino acid conservation, physicochemical variation, residue mobility, and thermodynamic stability) indicates that this missense variant is not expected to disrupt TSC2 protein function with a negative predictive value of 95%. Experimental studies have shown that this missense change affects TSC2 function (PMID: 31799751). In summary, the available evidence is currently insufficient to determine the role of this variant in disease. Therefore, it has been classified as a Variant of Uncertain Significance.

Literature cited by the submitters: PubMed 31799751.